The following is an entry in ClinVar:

NM_000188.3(HK1):c.2336G>A (p.Arg779Gln)

Gene: HK1 (hexokinase 1; plus strand). Cytogenetic location: 10q22.1.
Variant type: single nucleotide variant.
Coding change: c.2336G>A on transcript NM_000188.3 (MANE Select); coding-DNA position 2336, G replaced by A.
Protein change: p.Arg779Gln; replaces arginine 779 with glutamine.
Molecular consequence: missense variant.
Genome position (GRCh38, 1-based): chr10:69,395,066, G>A. VCF-style: chr10-69395066-G-A. GRCh37 (hg19) VCF-style: chr10-71154822-G-A.
Other names: c.2336G>A (NM_000188.2); c.2348G>A, p.Arg783Gln (NM_001322364.2, NM_001358263.1, NM_033497.3 and 1 more transcripts); c.2441G>A, p.Arg814Gln (NM_001322365.2); c.2252G>A, p.Arg751Gln (NM_001322366.1); c.2240G>A, p.Arg747Gln (NM_001322367.1); c.2333G>A, p.Arg778Gln (NM_033496.3); c.2300G>A, p.Arg767Gln (NM_033500.2); short protein forms R747Q, R751Q, R767Q, R778Q, R779Q, R783Q, R814Q.
Identifiers: ClinVar variation 3623763 (VCV003623763.4).
Genomic context (GRCh38, chr10:69,395,066, plus strand): 5'-TCGACTTCACCAAGAAGGGATTCCTCTTCCGAGGGCAGATCTCTGAGACGCTGAAGACCC[G>A]GGGCATCTTTGAGACCAAGTTTCTCTCTCAGATCGAGAGGTGAGTGGGCAGTGTCTTCCC-3'
Protein context (NP_000179.2, residues 769-789): RGQISETLKT[Arg779Gln]GIFETKFLSQ

ClinVar aggregate classification (germline): Uncertain significance. Review status: criteria provided, multiple submitters, no conflicts (2 of 4 stars). 3 submissions from 3 submitters: Uncertain significance (3). Last evaluated 2026-08-11.

Conditions:
HK1-related disorder. Also called: HK1-related condition; HK1-related disorders.

gnomAD v4.1: 11 of 1,613,802 alleles (0.00068%); highest among the groups gnomAD compares: Non-Finnish European, 0.00093%; no homozygotes.

Submissions (3):

PreventionGenetics, part of Exact Sciences
Classification: Uncertain significance for HK1-related condition. Last evaluated: 2026-08-11. Review status: criteria provided, single submitter. Criteria: ACMG Guidelines, 2015. Collection method: clinical testing. Allele origin: germline.
Comment: The HK1 c.2336G>A variant is predicted to result in the amino acid substitution p.Arg779Gln. To our knowledge, this variant has not been reported in the literature. This variant is absent in a large population database (gnomAD), indicating this variant is rare. At this time, the clinical significance of this variant is uncertain due to the absence of conclusive functional and genetic evidence.

Labcorp Genetics (formerly Invitae), Labcorp
Classification: Uncertain significance. Last evaluated: 2024-12-31. Review status: criteria provided, single submitter. Criteria: Invitae Variant Classification Sherloc (09022015). Collection method: clinical testing. Allele origin: germline.
Comment: This sequence change replaces arginine, which is basic and polar, with glutamine, which is neutral and polar, at codon 779 of the HK1 protein (p.Arg779Gln). This variant is not present in population databases (gnomAD no frequency). This variant has not been reported in the literature in individuals affected with HK1-related conditions. Invitae Evidence Modeling of protein sequence and biophysical properties (such as structural, functional, and spatial information, amino acid conservation, physicochemical variation, residue mobility, and thermodynamic stability) indicates that this missense variant is not expected to disrupt HK1 protein function with a negative predictive value of 80%. In summary, the available evidence is currently insufficient to determine the role of this variant in disease. Therefore, it has been classified as a Variant of Uncertain Significance.

Revvity Omics, Revvity
Classification: Uncertain significance. Last evaluated: 2023-10-25. Review status: criteria provided, single submitter. Criteria: ACMG Guidelines, 2015. Collection method: clinical testing. Allele origin: germline.